The following is an entry in ClinVar:

NM_001009944.3(PKD1):c.11713-29T>G

Gene: PKD1 (polycystin 1, transient receptor potential channel interacting; minus strand). Cytogenetic location: 16p13.3.
Variant type: single nucleotide variant.
Coding change: c.11713-29T>G on transcript NM_001009944.3 (MANE Select); 29 bases into the intron before coding-DNA position 11713, T replaced by G.
Molecular consequence: intron variant.
Genome position (GRCh38, 1-based): chr16:2,091,203, A>C on the plus strand (T>G on the coding strand, the complement: PKD1 is on the minus strand). VCF-style: chr16-2091203-A-C. GRCh37 (hg19) VCF-style: chr16-2141204-A-C.
Other names: c.11710-29T>G (NM_000296.4).
Identifiers: ClinVar variation 4979984 (VCV004979984.1).

ClinVar aggregate classification (germline): Likely benign (1 of 4 stars; one submission).

Conditions:
PKD1-related disorder. Also called: PKD1-related condition.

Submission:

PreventionGenetics, part of Exact Sciences
Classification: Likely benign for PKD1-related condition. Last evaluated: 2024-11-04. Review status: criteria provided, single submitter. Criteria: ACMG Guidelines, 2015. Collection method: clinical testing. Allele origin: germline.
Comment: This variant is classified as likely benign based on ACMG/AMP sequence variant interpretation guidelines (Richards et al. 2015 PMID: 25741868, with internal and published modifications).